The following is an entry in ClinVar:

NM_003742.4(ABCB11):c.2611-2A>G

Genes: ABCB11 (ATP binding cassette subfamily B member 11; minus strand), LOC126806400 (CDK7 strongly-dependent group 2 enhancer GRCh37_chr2:169791870-169793069; plus strand). Cytogenetic location: 2q31.1.
Variant type: single nucleotide variant.
Coding change: c.2611-2A>G on transcript NM_003742.4 (MANE Select); the canonical splice acceptor site of the intron before coding-DNA position 2611, A replaced by G.
Molecular consequence: splice acceptor variant.
Genome position (GRCh38, 1-based): chr2:168,936,435, T>C on the plus strand (A>G on the coding strand, the complement: ABCB11 is on the minus strand). VCF-style: chr2-168936435-T-C. GRCh37 (hg19) VCF-style: chr2-169792945-T-C.
Identifiers: ClinVar variation 4719868 (VCV004719868.1).

ClinVar aggregate classification (germline): Likely pathogenic (1 of 4 stars; one submission).

gnomAD v4.1: 1 of 1,613,774 alleles (0.000062%); highest among the groups gnomAD compares: Non-Finnish European, 0.000085%; no homozygotes.

Submission:

Labcorp Genetics (formerly Invitae), Labcorp
Classification: Likely pathogenic. Last evaluated: 2025-05-19. Review status: criteria provided, single submitter. Criteria: Invitae Variant Classification Sherloc (09022015). Collection method: clinical testing. Allele origin: germline.
Comment: This sequence change affects an acceptor splice site in intron 21 of the ABCB11 gene. It is expected to disrupt RNA splicing. Variants that disrupt the donor or acceptor splice site typically lead to a loss of protein function (PMID: 16199547), and loss-of-function variants in ABCB11 are known to be pathogenic (PMID: 18395098, 20232290). This variant is not present in population databases (gnomAD no frequency). Disruption of this splice site has been observed in individual(s) with clinical features of ABCB11-related conditions (PMID: 18395098). Algorithms developed to predict the effect of sequence changes on RNA splicing suggest that this variant may disrupt the consensus splice site. In summary, the currently available evidence indicates that the variant is pathogenic, but additional data are needed to prove that conclusively. Therefore, this variant has been classified as Likely Pathogenic.

Literature cited by the submitters: PubMed 16199547; PubMed 18395098; PubMed 20232290.